The following is an entry in ClinVar:

NM_014751.6(MTSS1):c.483G>A (p.Gln161=)

Gene: MTSS1 (MTSS I-BAR domain containing 1; minus strand). Cytogenetic location: 8q24.13.
Variant type: single nucleotide variant.
Coding change: c.483G>A on transcript NM_014751.6 (MANE Select); coding-DNA position 483, G replaced by A.
Protein change: p.Gln161=; no amino-acid change (glutamine 161 retained).
Molecular consequence: synonymous variant.
Genome position (GRCh38, 1-based): chr8:124,568,514, C>T on the plus strand (G>A on the coding strand, the complement: MTSS1 is on the minus strand). VCF-style: chr8-124568514-C-T. GRCh37 (hg19) VCF-style: chr8-125580755-C-T.
Other names: c.495G>A, p.Gln165= (NM_001282971.2, NM_001363296.2, NM_001363297.2 and 1 more transcripts); c.483G>A, p.Gln161= (NM_001282974.2, NM_001363294.2, NM_001363295.2 and 4 more transcripts).
Identifiers: ClinVar variation 2658798 (VCV002658798.24), dbSNP rs74633465, ClinGen allele CA4872245.
Genomic context (GRCh38, chr8:124,568,514, plus strand): 5'-CTTTTCTGTTTCTTCCAATAAGAGATACTTATCATTGACATCTTGGAGAGCACTGTCCAA[C>T]TGAGGCTGGATATCACCTCTCCCTGCAAAAAACAGAGACCCAAGCACGGCTTGCTGAAAT-3'
Protein context (NP_055566.3, residues 151-171): AKKGRGDIQP[Gln161=]LDSALQDVND

ClinVar aggregate classification (germline): Likely benign (1 of 4 stars; one submission).

Allele frequency attached by ClinVar (database versions not stated): 1000 Genomes Project 30x 0.00344; 1000 Genomes Project 0.00359; gnomAD 0.00480; TOPMed 0.00496; ExAC 0.00502; ESP Exome Variant Server 0.00700; gnomAD exomes 0.00703.
gnomAD v4.1: 11,025 of 1,614,180 alleles (0.68%); highest among the groups gnomAD compares: Middle Eastern, 1.1%; 48 homozygotes.

Submission:

CeGaT Center for Human Genetics Tuebingen
Classification: Likely benign. Last evaluated: 2026-02-01. Review status: criteria provided, single submitter. Criteria: CeGaT Center For Human Genetics Tuebingen Variant Classification Criteria Version 2. Collection method: clinical testing. Allele origin: germline. Affected: yes. Observed: 8 variant alleles.
Comment: MTSS1: BP4, BS2